The following is an entry in ClinVar:

ClinVar aggregate classification (germline): Likely benign (1 of 4 stars; one submission).

Allele frequency attached by ClinVar (database versions not stated): gnomAD exomes 0.00012 and 0.00020; gnomAD 0.00018 and 0.00019; TOPMed 0.00020.

Submission:

GeneDx
Classification: Likely benign. Last evaluated: 2016-05-17. Review status: criteria provided, single submitter. Criteria: GeneDx Variant Classification (06012015). Collection method: clinical testing. Allele origin: germline. Affected: yes.
Comment: This variant is considered likely benign or benign based on one or more of the following criteria: it is a conservative change, it occurs at a poorly conserved position in the protein, it is predicted to be benign by multiple in silico algorithms, and/or has population frequency not consistent with disease.

NM_006302.3(MOGS):c.-44C>T

Gene: MOGS (mannosyl-oligosaccharide glucosidase; minus strand). Cytogenetic location: 2p13.1.
Variant type: single nucleotide variant.
Coding change: c.-44C>T on transcript NM_006302.3 (MANE Select); 44 bases upstream of the start codon, C replaced by T.
Molecular consequence: 5 prime UTR variant. On other transcripts: intron variant (1).
Genome position (GRCh38, 1-based): chr2:74,465,291, G>A on the plus strand (C>T on the coding strand, the complement: MOGS is on the minus strand). VCF-style: chr2-74465291-G-A. GRCh37 (hg19) VCF-style: chr2-74692418-G-A.
Other names: c.-44C>T (LRG_1226t1); c.-59+23C>T (NM_001146158.2).
Identifiers: ClinVar variation 385664 (VCV000385664.1), dbSNP rs766616114, ClinGen allele CA1725138.